The following is an entry in ClinVar:

ClinVar aggregate classification (germline): Conflicting classifications of pathogenicity. Review status: criteria provided, conflicting classifications (1 of 4 stars). 3 submissions from 3 submitters: Uncertain significance (1); Benign (1). 1 of the submissions does not count toward it. Last evaluated 2021-05-04.

Conditions:
Amyotrophic lateral sclerosis (ALS). Also called: Charcot disease; Lou Gehrig disease. Identifiers: Orphanet 803, MedGen C0002736, MONDO:0004976, HP:0007354.
SS18L1-related disorder. Also called: SS18L1-related condition.

Allele frequency attached by ClinVar (database versions not stated): gnomAD exomes 0.00411 and 0.01156; ExAC 0.01451; gnomAD 0.04432 and 0.04752; TOPMed 0.04936; ESP Exome Variant Server 0.04982; 1000 Genomes Project 0.04992; 1000 Genomes Project 30x 0.05559.
gnomAD v4.1: 13,004 of 1,614,040 alleles (0.81%); highest among the groups gnomAD compares: African/African-American, 15%; 879 homozygotes.

Submissions (3):

GeneDx
Classification: Benign. Last evaluated: 2021-05-04. Review status: criteria provided, single submitter. Criteria: GeneDx Variant Classification Process June 2021. Collection method: clinical testing. Allele origin: germline. Affected: yes.

UM ALS/MND Lab, University Of Malta
Classification: Uncertain significance for Amyotrophic lateral sclerosis. Last evaluated: 2020-09-09. Review status: criteria provided, single submitter. Criteria: ACMG Guidelines, 2015. Collection method: case-control. Allele origin: unknown. Affected: yes. Observed: 2 variant alleles.
Comment: Single heterozygote

PreventionGenetics, part of Exact Sciences
Classification: Benign for SS18L1-related condition. Last evaluated: 2019-03-21. Review status: no assertion criteria provided. Collection method: clinical testing. Allele origin: germline. Not counted in ClinVar's aggregate classification.
Comment: This variant is classified as benign based on ACMG/AMP sequence variant interpretation guidelines (Richards et al. 2015 PMID: 25741868, with internal and published modifications).

NM_198935.3(SS18L1):c.961G>A (p.Ala321Thr)

Gene: SS18L1 (SS18L1 subunit of BAF chromatin remodeling complex; plus strand). Cytogenetic location: 20q13.33.
Variant type: single nucleotide variant.
Coding change: c.961G>A on transcript NM_198935.3 (MANE Select); coding-DNA position 961, G replaced by A.
Protein change: p.Ala321Thr; replaces alanine 321 with threonine.
Molecular consequence: missense variant. On other transcripts: non-coding transcript variant (2).
Genome position (GRCh38, 1-based): chr20:62,172,726, G>A. VCF-style: chr20-62172726-G-A. GRCh37 (hg19) VCF-style: chr20-60747782-G-A.
Other names: c.568G>A, p.Ala190Thr (NM_001301778.2); short protein forms A190T, A321T.
Identifiers: ClinVar variation 981031 (VCV000981031.7), dbSNP rs36106901, ClinGen allele CA9937357.